The following is an entry in ClinVar:

NM_181882.3(PRX):c.3835G>T (p.Val1279Leu)

Gene: PRX (periaxin; minus strand). Cytogenetic location: 19q13.2.
Variant type: single nucleotide variant.
Coding change: c.3835G>T on transcript NM_181882.3 (MANE Select); coding-DNA position 3835, G replaced by T.
Protein change: p.Val1279Leu; replaces valine 1279 with leucine.
Molecular consequence: missense variant. On other transcripts: 3 prime UTR variant (1).
Genome position (GRCh38, 1-based): chr19:40,394,517, C>A on the plus strand (G>T on the coding strand, the complement: PRX is on the minus strand). VCF-style: chr19-40394517-C-A. GRCh37 (hg19) VCF-style: chr19-40900424-C-A.
Other names: c.3835G>T (NM_181882.2); c.*4040G>T (NM_020956.2); short protein forms V1279L.
Identifiers: ClinVar variation 1044794 (VCV001044794.10), dbSNP rs747247972, ClinGen allele CA405892002.

ClinVar aggregate classification (germline): Uncertain significance. Review status: criteria provided, multiple submitters, no conflicts (2 of 4 stars). 2 submissions from 2 submitters: Uncertain significance (2). Last evaluated 2023-01-24.

Conditions:
Inborn genetic diseases. Identifiers: MedGen C0950123, MeSH D030342.
Charcot-Marie-Tooth disease type 4. Also called: Charcot-Marie-Tooth disease, type IV; Charcot-Marie-Tooth, Type 4. Identifiers: Orphanet 64749, MedGen C4082197, MONDO:0018995.

Allele frequency attached by ClinVar (database versions not stated): gnomAD 0.00001; TOPMed 0.00001.

Submissions (2):

Ambry Genetics
Classification: Uncertain significance for Inborn genetic diseases. Last evaluated: 2023-01-24. Review status: criteria provided, single submitter. Criteria: Ambry Variant Classification Scheme 2023. Collection method: clinical testing. Allele origin: germline.

Labcorp Genetics (formerly Invitae), Labcorp
Classification: Uncertain significance for Charcot-Marie-Tooth disease type 4. Last evaluated: 2020-07-29. Review status: criteria provided, single submitter. Criteria: Invitae Variant Classification Sherloc (09022015). Collection method: clinical testing. Allele origin: germline.
Comment: In summary, the available evidence is currently insufficient to determine the role of this variant in disease. Therefore, it has been classified as a Variant of Uncertain Significance. Algorithms developed to predict the effect of missense changes on protein structure and function output the following: SIFT: "Tolerated"; PolyPhen-2: "Benign"; Align-GVGD: "Class C0". The leucine amino acid residue is found in multiple mammalian species, suggesting that this missense change does not adversely affect protein function. These predictions have not been confirmed by published functional studies and their clinical significance is uncertain. This variant has not been reported in the literature in individuals with PRX-related conditions. This variant is not present in population databases (ExAC no frequency). This sequence change replaces valine with leucine at codon 1279 of the PRX protein (p.Val1279Leu). The valine residue is moderately conserved and there is a small physicochemical difference between valine and leucine.